The following is an entry in ClinVar:

NM_006944.3(SPP2):c.86-8G>A

Gene: SPP2 (secreted phosphoprotein 2; plus strand). Cytogenetic location: 2q37.1.
Variant type: single nucleotide variant.
Coding change: c.86-8G>A on transcript NM_006944.3 (MANE Select); 8 bases into the intron before coding-DNA position 86, G replaced by A.
Molecular consequence: intron variant.
Genome position (GRCh38, 1-based): chr2:234,050,963, G>A. VCF-style: chr2-234050963-G-A. GRCh37 (hg19) VCF-style: chr2-234959607-G-A.
Other names: c.86-8G>A (NM_006944.2).
Identifiers: ClinVar variation 1439585 (VCV001439585.9), dbSNP rs377665604, ClinGen allele CA2183073.

ClinVar aggregate classification (germline): Likely benign. Review status: criteria provided, multiple submitters, no conflicts (2 of 4 stars). 3 submissions from 3 submitters: Likely benign (2). 1 of the submissions does not count toward it. Last evaluated 2025-03-11.

Conditions:
SPP2-related disorder. Also called: SPP2-related condition.

Allele frequency attached by ClinVar (database versions not stated): gnomAD 0.00003 and 0.00004; TOPMed 0.00004; ExAC 0.00005; gnomAD exomes 0.00006; ESP Exome Variant Server 0.00008.
gnomAD v4.1: 215 of 1,613,852 alleles (0.013%); highest among the groups gnomAD compares: Non-Finnish European, 0.017%; no homozygotes.

Submissions (3):

Labcorp Genetics (formerly Invitae), Labcorp
Classification: Likely benign. Last evaluated: 2025-03-11. Review status: criteria provided, single submitter. Criteria: Invitae Variant Classification Sherloc (09022015). Collection method: clinical testing. Allele origin: germline.

Blueprint Genetics
Classification: Likely benign. Last evaluated: 2022-10-27. Review status: criteria provided, single submitter. Criteria: ACMG Guidelines, 2015. Collection method: clinical testing. Allele origin: germline.

PreventionGenetics, part of Exact Sciences
Classification: Likely benign for SPP2-related condition. Last evaluated: 2019-04-17. Review status: no assertion criteria provided. Collection method: clinical testing. Allele origin: germline. Not counted in ClinVar's aggregate classification.
Comment: This variant is classified as likely benign based on ACMG/AMP sequence variant interpretation guidelines (Richards et al. 2015 PMID: 25741868, with internal and published modifications).